The following is an entry in ClinVar:

NM_025113.5(RUBCNL):c.1141C>T (p.Arg381Ter)

Gene: RUBCNL (rubicon like autophagy enhancer; minus strand). Cytogenetic location: 13q14.13.
Variant type: single nucleotide variant.
Coding change: c.1141C>T on transcript NM_025113.5 (MANE Select); coding-DNA position 1141, C replaced by T.
Protein change: p.Arg381Ter; replaces arginine 381 with a stop codon.
Molecular consequence: nonsense.
Genome position (GRCh38, 1-based): chr13:46,359,610, G>A on the plus strand (C>T on the coding strand, the complement: RUBCNL is on the minus strand). VCF-style: chr13-46359610-G-A. GRCh37 (hg19) VCF-style: chr13-46933745-G-A.
Other names: c.1141C>T, p.Arg381Ter (NM_001286761.2, NM_001286762.3, NM_001349772.2); c.940C>T, p.Arg314Ter (NM_001286763.3); c.736C>T, p.Arg246Ter (NM_001286764.3); c.670C>T, p.Arg224Ter (NM_001286765.3); c.496C>T, p.Arg166Ter (NM_001286766.3); short protein forms R381*, R166*, R224*, R246*, R314*.
Identifiers: ClinVar variation 161772 (VCV000161772.2), dbSNP rs193920942, ClinGen allele CA174755.
Genomic context (GRCh38, chr13:46,359,610, plus strand): 5'-TGATCCTAGACTTAAATTTAATTTCCTGTACTACATTCATACTGGATTCAAAGTCTTTTC[G>A]GACACACTCTTCATTTACGACCTGCATAAGACATAAAATGATTTAGGAACAACTTAAGCA-3'

ClinVar aggregate classification (germline): Uncertain significance (0 of 4 stars; one submission).

Conditions:
Prostate cancer. Also called: Malignant tumor of prostate. Identifiers: Orphanet 1331, MedGen C0376358, MONDO:0008315, HP:0012125.

Allele frequency attached by ClinVar (database versions not stated): 1000 Genomes Project 0.00020; gnomAD 0.00004; ExAC 0.00019; 1000 Genomes Project 30x 0.00031; TOPMed 0.00008.
gnomAD v4.1: 41 of 1,588,352 alleles (0.0026%); highest among the groups gnomAD compares: East Asian, 0.052%; no homozygotes.

Submission:

Science for Life laboratory,  Karolinska Institutet
Classification: Uncertain significance for Malignant tumor of prostate. Review status: no assertion criteria provided. Collection method: not provided. Allele origin: somatic.
Comment: TumorID:SWE-2
ClinVar note: Converted during submission from Unknown to Uncertain significance.